The following is an entry in ClinVar:

NM_001110556.2(FLNA):c.4574A>G (p.Tyr1525Cys)

Gene: FLNA (filamin A; minus strand). Cytogenetic location: Xq28.
Variant type: single nucleotide variant.
Coding change: c.4574A>G on transcript NM_001110556.2 (MANE Select); coding-DNA position 4574, A replaced by G.
Protein change: p.Tyr1525Cys; replaces tyrosine 1525 with cysteine.
Molecular consequence: missense variant.
Genome position (GRCh38, 1-based): chrX:154,358,469, T>C on the plus strand (A>G on the coding strand, the complement: FLNA is on the minus strand). VCF-style: chrX-154358469-T-C. GRCh37 (hg19) VCF-style: chrX-153586837-T-C.
Other names: c.4574A>G, p.Tyr1525Cys (NM_001456.4); short protein forms Y1525C.
Identifiers: ClinVar variation 2632163 (VCV002632163.3), dbSNP rs2522735704, ClinGen allele CA415215317.

ClinVar aggregate classification (germline): Uncertain significance. Review status: criteria provided, multiple submitters, no conflicts (2 of 4 stars). 2 submissions from 2 submitters: Uncertain significance (2). Last evaluated 2024-08-15.

Conditions:
FLNA-related disorder.
Oto-palato-digital syndrome, type II (OPD2). Also called: FACIOPALATOOSSEOUS SYNDROME; OPD II SYNDROME; Otopalatodigital Syndrome Type 2 (FLNA-OPD2); Otopalatodigital Syndrome, Type II. Identifiers: Orphanet 669, Orphanet 90652, MedGen C1844696, MONDO:0010571, OMIM 304120.
Heterotopia, periventricular, X-linked dominant (PVNH1). Also called: PERIVENTRICULAR NODULAR HETEROTOPIA 1; X-linked periventricular heterotopia; PERIVENTRICULAR NODULAR HETEROTOPIA 4; HETEROTOPIA, PERIVENTRICULAR, 1. Identifiers: Orphanet 2149, Orphanet 82004, MedGen C1848213, MONDO:0010233, OMIM 300049.
Melnick-Needles syndrome (MNS). Also called: MELNICK-NEEDLES OSTEODYSPLASTY; OSTEODYSPLASTY OF MELNICK AND NEEDLES; Melnick-Needles Syndrome (FLNA-MNS). Identifiers: Orphanet 2484, MedGen C0025237, MONDO:0010650, OMIM 309350.
Frontometaphyseal dysplasia (FMD1). Identifiers: Orphanet 1826, MedGen C0265293, MONDO:0015942.

Submissions (2):

Labcorp Genetics (formerly Invitae), Labcorp
Classification: Uncertain significance for Oto-palato-digital syndrome, type II; Heterotopia, periventricular, X-linked dominant; Frontometaphyseal dysplasia; Melnick-Needles syndrome. Last evaluated: 2024-08-15. Review status: criteria provided, single submitter. Criteria: Invitae Variant Classification Sherloc (09022015). Collection method: clinical testing. Allele origin: germline.
Comment: This sequence change replaces tyrosine, which is neutral and polar, with cysteine, which is neutral and slightly polar, at codon 1525 of the FLNA protein (p.Tyr1525Cys). This variant is not present in population databases (gnomAD no frequency). This variant has not been reported in the literature in individuals affected with FLNA-related conditions. ClinVar contains an entry for this variant (Variation ID: 2632163). Invitae Evidence Modeling of protein sequence and biophysical properties (such as structural, functional, and spatial information, amino acid conservation, physicochemical variation, residue mobility, and thermodynamic stability) indicates that this missense variant is not expected to disrupt FLNA protein function with a negative predictive value of 95%. In summary, the available evidence is currently insufficient to determine the role of this variant in disease. Therefore, it has been classified as a Variant of Uncertain Significance.

PreventionGenetics, part of Exact Sciences
Classification: Uncertain significance for FLNA-related condition. Last evaluated: 2023-07-14. Review status: criteria provided, single submitter. Criteria: ACMG Guidelines, 2015. Collection method: clinical testing. Allele origin: germline.
Comment: The FLNA c.4574A>G variant is predicted to result in the amino acid substitution p.Tyr1525Cys. To our knowledge, this variant has not been reported in the literature or in a large population database, indicating this variant is rare. At this time, the clinical significance of this variant is uncertain due to the absence of conclusive functional and genetic evidence.